The following is an entry in ClinVar:

NM_005585.5(SMAD6):c.800G>C (p.Ser267Thr)

Gene: SMAD6 (SMAD family member 6; plus strand). Cytogenetic location: 15q22.31.
Variant type: single nucleotide variant.
Coding change: c.800G>C on transcript NM_005585.5 (MANE Select); coding-DNA position 800, G replaced by C.
Protein change: p.Ser267Thr; replaces serine 267 with threonine.
Molecular consequence: missense variant. On other transcripts: non-coding transcript variant (1).
Genome position (GRCh38, 1-based): chr15:66,704,058, G>C. VCF-style: chr15-66704058-G-C. GRCh37 (hg19) VCF-style: chr15-66996396-G-C.
Other names: short protein forms S267T.
Identifiers: ClinVar variation 2109031 (VCV002109031.4), dbSNP rs1396117157, ClinGen allele CA392950277.
Genomic context (GRCh38, chr15:66,704,058, plus strand): 5'-GCCACAGCTTCGCCGCCGCCGCCGACGGCCCTACCGTGTGCTGCAACCCCTACCACTTCA[G>C]CCGGCTCTGCGGGCCCGGTGAGCGCGCTGCGCCGGCCGGGGGGGCCCCGGGTCCCCGTCC-3'
Protein context (NP_005576.3, residues 257-277): PTVCCNPYHF[Ser267Thr]RLCGPESPPP

ClinVar aggregate classification (germline): Uncertain significance (1 of 4 stars; one submission).

Conditions:
Aortic valve disease 2 (AOVD2). Identifiers: MedGen C3542024, MONDO:0013902, OMIM 614823.

Submission:

Labcorp Genetics (formerly Invitae), Labcorp
Classification: Uncertain significance for Aortic valve disease 2. Last evaluated: 2022-03-11. Review status: criteria provided, single submitter. Criteria: Invitae Variant Classification Sherloc (09022015). Collection method: clinical testing. Allele origin: germline.
Comment: In summary, the available evidence is currently insufficient to determine the role of this variant in disease. Therefore, it has been classified as a Variant of Uncertain Significance. This sequence change replaces serine, which is neutral and polar, with threonine, which is neutral and polar, at codon 267 of the SMAD6 protein (p.Ser267Thr). This variant is not present in population databases (gnomAD no frequency). This variant has not been reported in the literature in individuals affected with SMAD6-related conditions. Algorithms developed to predict the effect of missense changes on protein structure and function are either unavailable or do not agree on the potential impact of this missense change (SIFT: "Tolerated"; PolyPhen-2: "Possibly Damaging"; Align-GVGD: "Class C0").